The following is an entry in ClinVar:

ClinVar aggregate classification (germline): Uncertain significance (1 of 4 stars; one submission).

Conditions:
Epileptic encephalopathy. Identifiers: MedGen C0543888, HP:0200134.

Submission:

Labcorp Genetics (formerly Invitae), Labcorp
Classification: Uncertain significance for Epileptic encephalopathy. Last evaluated: 2021-04-23. Review status: criteria provided, single submitter. Criteria: Invitae Variant Classification Sherloc (09022015). Collection method: clinical testing. Allele origin: germline.
Comment: This sequence change creates a premature translational stop signal (p.Trp1026*) in the FASN gene. It is expected to result in an absent or disrupted protein product. However, the current clinical and genetic evidence is not sufficient to establish whether loss-of-function variants in FASN cause disease. This variant is not present in population databases (ExAC no frequency). This variant has not been reported in the literature in individuals with FASN-related conditions. In summary, the available evidence is currently insufficient to determine the role of this variant in disease. Therefore, it has been classified as a Variant of Uncertain Significance.

NM_004104.5(FASN):c.3077G>A (p.Trp1026Ter)

Gene: FASN (fatty acid synthase; minus strand). Cytogenetic location: 17q25.3.
Variant type: single nucleotide variant.
Coding change: c.3077G>A on transcript NM_004104.5 (MANE Select); coding-DNA position 3077, G replaced by A.
Protein change: p.Trp1026Ter; replaces tryptophan 1026 with a stop codon.
Molecular consequence: nonsense.
Genome position (GRCh38, 1-based): chr17:82,087,471, C>T on the plus strand (G>A on the coding strand, the complement: FASN is on the minus strand). VCF-style: chr17-82087471-C-T. GRCh37 (hg19) VCF-style: chr17-80045347-C-T.
Other names: short protein forms W1026*.
Identifiers: ClinVar variation 1394753 (VCV001394753.6), dbSNP rs2144794599, ClinGen allele CA401554846.
Genomic context (GRCh38, chr17:82,087,471, plus strand): 5'-AGGCCGTGCTTGGCCGAGCCCAGGATGGACATCTGCAGCATGGTGTCCATGAAGCTCACC[C>T]AGTTATCCTTCCACAGCAGCCTCCCCGAGTCACCTGCACACAGGGCCTGGTTGGTGCTGT-3'